The following is an entry in ClinVar:

NM_012082.4(ZFPM2):c.1797T>C (p.Thr599=)

Genes: ZFPM2 (zinc finger protein, FOG family member 2; plus strand), ZFPM2-AS1 (ZFPM2 antisense RNA 1; minus strand). Cytogenetic location: 8q23.1.
Variant type: single nucleotide variant.
Coding change: c.1797T>C on transcript NM_012082.4 (MANE Select); coding-DNA position 1797, T replaced by C.
Protein change: p.Thr599=; no amino-acid change (threonine 599 retained).
Molecular consequence: synonymous variant.
Genome position (GRCh38, 1-based): chr8:105,801,879, T>C. VCF-style: chr8-105801879-T-C. GRCh37 (hg19) VCF-style: chr8-106814107-T-C.
Other names: c.1638T>C, p.Thr546= (NM_001362836.2); c.1401T>C, p.Thr467= (NM_001362837.2).
Identifiers: ClinVar variation 3061455 (VCV003061455.3), dbSNP rs1202683525, ClinGen allele CA462650228.
Genomic context (GRCh38, chr8:105,801,879, plus strand): 5'-TAAGTCCCCAGAGTTCCCTAGTGTGTCAGAAAAGATGCCTGAAGCTTTGAGTCCCAACAC[T>C]GGCCAAACCTCCATAAACCTTCTCAACCCAGCTGCTCATTCTGCTGATCCTGAGAATCCA-3'
Protein context (NP_036214.2, residues 589-609): EKMPEALSPN[Thr599=]GQTSINLLNP

ClinVar aggregate classification (germline): Likely benign. Review status: criteria provided, single submitter (1 of 4 stars). 2 submissions from 2 submitters: Likely benign (1). 1 of the submissions does not count toward it. Last evaluated 2025-03-13.

Conditions:
ZFPM2-related disorder. Also called: ZFPM2-related condition.
46,XY sex reversal 9 (SRXY9). Also called: 46,XY SEX REVERSAL, ZFPM2-RELATED. Identifiers: Orphanet 251510, MedGen C4015129, MONDO:0014480, OMIM 616067.

Allele frequency attached by ClinVar (database versions not stated): gnomAD exomes below 0.00001.
gnomAD v4.1: 1 of 1,613,976 alleles (0.000062%); highest among the groups gnomAD compares: Non-Finnish European, 0.000085%; no homozygotes.

Submissions (2):

Labcorp Genetics (formerly Invitae), Labcorp
Classification: Likely benign for 46,XY sex reversal 9. Last evaluated: 2025-03-13. Review status: criteria provided, single submitter. Criteria: Invitae Variant Classification Sherloc (09022015). Collection method: clinical testing. Allele origin: germline.

PreventionGenetics, part of Exact Sciences
Classification: Likely benign for ZFPM2-related condition. Last evaluated: 2022-01-29. Review status: no assertion criteria provided. Collection method: clinical testing. Allele origin: germline. Not counted in ClinVar's aggregate classification.
Comment: This variant is classified as likely benign based on ACMG/AMP sequence variant interpretation guidelines (Richards et al. 2015 PMID: 25741868, with internal and published modifications).